The following is an entry in ClinVar:

NM_001127644.2(GABRA1):c.1127C>A (p.Thr376Asn)

Gene: GABRA1 (gamma-aminobutyric acid type A receptor subunit alpha1; plus strand). Cytogenetic location: 5q34.
Variant type: single nucleotide variant.
Coding change: c.1127C>A on transcript NM_001127644.2 (MANE Select); coding-DNA position 1127, C replaced by A.
Protein change: p.Thr376Asn; replaces threonine 376 with asparagine.
Molecular consequence: missense variant.
Genome position (GRCh38, 1-based): chr5:161,897,178, C>A. VCF-style: chr5-161897178-C-A. GRCh37 (hg19) VCF-style: chr5-161324184-C-A.
Other names: c.1127C>A, p.Thr376Asn (NM_000806.5, NM_001127643.2, NM_001127645.2 and 1 more transcripts); short protein forms T376N.
Identifiers: ClinVar variation 1395710 (VCV001395710.8), dbSNP rs761617651, ClinGen allele CA3544583.

ClinVar aggregate classification (germline): Uncertain significance (1 of 4 stars; one submission).

Conditions:
Epilepsy, idiopathic generalized, susceptibility to, 13. Also called: EPILEPSY, JUVENILE MYOCLONIC, SUSCEPTIBILITY TO, 5. Identifiers: Orphanet 307, Orphanet 64280, MedGen C4013473, MONDO:0012627, OMIM 611136.
Epilepsy, childhood absence 4 (ECA4). Also called: EPILEPSY, CHILDHOOD ABSENCE, SUSCEPTIBILITY TO, 4. Identifiers: Orphanet 307, MedGen C1970160.
Idiopathic generalized epilepsy. Also called: Generalised epilepsy; EIG. Identifiers: MedGen C0270850, MONDO:0005579, OMIM 600669.

Allele frequency attached by ClinVar (database versions not stated): gnomAD exomes below 0.00001 and 0.00001; ExAC 0.00002.
gnomAD v4.1: 2 of 1,614,116 alleles (0.00012%); highest among the groups gnomAD compares: Admixed American, 0.0033%; no homozygotes.

Submission:

Labcorp Genetics (formerly Invitae), Labcorp
Classification: Uncertain significance for Epilepsy, childhood absence 4; Epilepsy, idiopathic generalized, susceptibility to, 13; Idiopathic generalized epilepsy. Last evaluated: 2022-07-26. Review status: criteria provided, single submitter. Criteria: Invitae Variant Classification Sherloc (09022015). Collection method: clinical testing. Allele origin: germline.
Comment: In summary, the available evidence is currently insufficient to determine the role of this variant in disease. Therefore, it has been classified as a Variant of Uncertain Significance. Algorithms developed to predict the effect of missense changes on protein structure and function (SIFT, PolyPhen-2, Align-GVGD) all suggest that this variant is likely to be tolerated. This sequence change replaces threonine, which is neutral and polar, with asparagine, which is neutral and polar, at codon 376 of the GABRA1 protein (p.Thr376Asn). This variant is present in population databases (rs761617651, gnomAD 0.006%). This variant has not been reported in the literature in individuals affected with GABRA1-related conditions. ClinVar contains an entry for this variant (Variation ID: 1395710).